The following is an entry in ClinVar:

NM_000057.4(BLM):c.3875C>A (p.Ala1292Asp)

Gene: BLM (BLM RecQ like helicase; plus strand). Cytogenetic location: 15q26.1.
Variant type: single nucleotide variant.
Coding change: c.3875C>A on transcript NM_000057.4 (MANE Select); coding-DNA position 3875, C replaced by A.
Protein change: p.Ala1292Asp; replaces alanine 1292 with aspartic acid.
Molecular consequence: missense variant.
Genome position (GRCh38, 1-based): chr15:90,811,205, C>A. VCF-style: chr15-90811205-C-A. GRCh37 (hg19) VCF-style: chr15-91354435-C-A.
Other names: c.3875C>A, p.Ala1292Asp (NM_001287246.2); c.3482C>A, p.Ala1161Asp (NM_001287247.2); c.2750C>A, p.Ala917Asp (NM_001287248.2); c.3875C>A (NM_000057.2); short protein forms A1292D, A917D, A1161D.
Identifiers: ClinVar variation 578145 (VCV000578145.16), dbSNP rs1567066745, ClinGen allele CA393850333.

ClinVar aggregate classification (germline): Uncertain significance. Review status: criteria provided, multiple submitters, no conflicts (2 of 4 stars). 4 submissions from 4 submitters: Uncertain significance (3). 1 of the submissions does not count toward it. Last evaluated 2024-09-12.

Conditions:
Bloom syndrome (BLM). Also called: Bloom-Torre-Machacek syndrome. Identifiers: Orphanet 125, MedGen C0005859, MONDO:0008876, OMIM 210900.
Hereditary cancer-predisposing syndrome. Also called: Tumor predisposition; Hereditary neoplastic syndrome; Hereditary Cancer Syndrome; Neoplastic Syndromes, Hereditary. Identifiers: Orphanet 140162, MedGen C0027672, MeSH D009386, MONDO:0015356.

Submissions (4):

Labcorp Genetics (formerly Invitae), Labcorp
Classification: Uncertain significance for Bloom syndrome. Last evaluated: 2024-09-12. Review status: criteria provided, single submitter. Criteria: Invitae Variant Classification Sherloc (09022015). Collection method: clinical testing. Allele origin: germline.
Comment: This sequence change replaces alanine, which is neutral and non-polar, with aspartic acid, which is acidic and polar, at codon 1292 of the BLM protein (p.Ala1292Asp). This variant is not present in population databases (gnomAD no frequency). This variant has not been reported in the literature in individuals affected with BLM-related conditions. ClinVar contains an entry for this variant (Variation ID: 578145). An algorithm developed to predict the effect of missense changes on protein structure and function (PolyPhen-2) suggests that this variant is likely to be tolerated. In summary, the available evidence is currently insufficient to determine the role of this variant in disease. Therefore, it has been classified as a Variant of Uncertain Significance.

Ambry Genetics
Classification: Uncertain significance for Hereditary cancer-predisposing syndrome. Last evaluated: 2024-08-20. Review status: criteria provided, single submitter. Criteria: Ambry Variant Classification Scheme 2023. Collection method: clinical testing. Allele origin: germline.
Comment: The p.A1292D variant (also known as c.3875C>A) is located in coding exon 20 of the BLM gene. The alanine at codon 1292 is replaced by aspartic acid, an amino acid with dissimilar properties. This change occurs in the first base pair of coding exon 20. This amino acid position is well conserved in available vertebrate species. Since supporting evidence is limited at this time, the clinical significance of this alteration remains unclear.

GeneDx
Classification: Uncertain significance. Last evaluated: 2023-02-16. Review status: criteria provided, single submitter. Criteria: GeneDx Variant Classification Process June 2021. Collection method: clinical testing. Allele origin: germline. Affected: yes.
Comment: Not observed at significant frequency in large population cohorts (gnomAD); In silico analysis supports that this missense variant does not alter protein structure/function; Has not been previously published as pathogenic or benign to our knowledge

Natera, Inc.
Classification: Uncertain significance for Bloom syndrome. Last evaluated: 2021-03-24. Review status: no assertion criteria provided. Collection method: clinical testing. Allele origin: germline. Not counted in ClinVar's aggregate classification.